The following is an entry in ClinVar:

ClinVar aggregate classification (germline): Likely benign (1 of 4 stars; one submission).

Conditions:
RYR3-related disorder. Also called: RYR3-related condition.

gnomAD v4.1: 4 of 1,592,110 alleles (0.00025%); highest among the groups gnomAD compares: African/African-American, 0.0027%; no homozygotes.

Submission:

PreventionGenetics, part of Exact Sciences
Classification: Likely benign for RYR3-related condition. Last evaluated: 2025-02-10. Review status: criteria provided, single submitter. Criteria: ACMG Guidelines, 2015. Collection method: clinical testing. Allele origin: germline.
Comment: This variant is classified as likely benign based on ACMG/AMP sequence variant interpretation guidelines (Richards et al. 2015 PMID: 25741868, with internal and published modifications).

NM_001036.6(RYR3):c.4554C>T (p.Arg1518=)

Gene: RYR3 (ryanodine receptor 3; plus strand). Cytogenetic location: 15q14.
Variant type: single nucleotide variant.
Coding change: c.4554C>T on transcript NM_001036.6 (MANE Select); coding-DNA position 4554, C replaced by T.
Protein change: p.Arg1518=; no amino-acid change (arginine 1518 retained).
Molecular consequence: synonymous variant.
Genome position (GRCh38, 1-based): chr15:33,660,355, C>T. VCF-style: chr15-33660355-C-T. GRCh37 (hg19) VCF-style: chr15-33952556-C-T.
Other names: c.4554C>T, p.Arg1518= (NM_001243996.4).
Identifiers: ClinVar variation 4990364 (VCV004990364.1).